The following is an entry in ClinVar:

NM_001191061.2(SLC25A22):c.413-2A>G

Gene: SLC25A22 (solute carrier family 25 member 22; minus strand). Cytogenetic location: 11p15.5.
Variant type: single nucleotide variant.
Coding change: c.413-2A>G on transcript NM_001191061.2 (MANE Select); the canonical splice acceptor site of the intron before coding-DNA position 413, A replaced by G.
Molecular consequence: splice acceptor variant. On other transcripts: synonymous variant (2).
Genome position (GRCh38, 1-based): chr11:792,729, T>C on the plus strand (A>G on the coding strand, the complement: SLC25A22 is on the minus strand). VCF-style: chr11-792729-T-C. GRCh37 (hg19) VCF-style: chr11-792729-T-C.
Other names: c.450A>G, p.Pro150= (NM_001425335.1); c.426A>G, p.Pro142= (NM_001425336.1); c.413-2A>G (NM_001425339.1, NM_001425343.1, NM_001425342.1 and 4 more transcripts); c.401-2A>G (NM_001425341.1); c.410-2A>G (NM_001425340.1); c.95-2A>G (NM_001425344.1); c.488-2A>G (NM_001425334.1).
Identifiers: ClinVar variation 5005003 (VCV005005003.2).

ClinVar aggregate classification (germline): Likely pathogenic (1 of 4 stars; one submission).

Conditions:
Developmental and epileptic encephalopathy, 3 (DEE3). Also called: Epileptic encephalopathy, early infantile, 3. Identifiers: MedGen C5574665, MONDO:0012245, OMIM 609304.

Submission:

Juno Genomics, Hangzhou Juno Genomics, Inc
Classification: Likely pathogenic for Developmental and epileptic encephalopathy, 3. Review status: criteria provided, single submitter. Criteria: ACMG Guidelines, 2015. Collection method: clinical testing. Allele origin: germline.
Comment: Null variant in a gene where loss of function (LOF) is a known mechanism of disease.;Absent from controls (or at extremely low frequency if recessive) in Genome Aggregation Database.